The following is an entry in ClinVar:

NM_006767.4(LZTR1):c.1979A>C (p.Glu660Ala)

Gene: LZTR1 (leucine zipper like post translational regulator 1; plus strand). Cytogenetic location: 22q11.21.
Variant type: single nucleotide variant.
Coding change: c.1979A>C on transcript NM_006767.4 (MANE Select); coding-DNA position 1979, A replaced by C.
Protein change: p.Glu660Ala; replaces glutamic acid 660 with alanine.
Molecular consequence: missense variant.
Genome position (GRCh38, 1-based): chr22:20,995,782, A>C. VCF-style: chr22-20995782-A-C. GRCh37 (hg19) VCF-style: chr22-21350071-A-C.
Other names: short protein forms E660A.
Identifiers: ClinVar variation 1783759 (VCV001783759.2), dbSNP rs2518623829, ClinGen allele CA410778998.
Genomic context (GRCh38, chr22:20,995,782, plus strand): 5'-GCTCAGGGACCCTCCTACCCCCAGGCACATCTCTGATCCAGGACATGAAGGCATACCTGG[A>C]GGGAGCGGGCGCGGAATTCTGTGACATCACTCTGTTGCTTGACGGGCACCCACGGCCAGC-3'
Protein context (NP_006758.2, residues 650-670): SLIQDMKAYL[Glu660Ala]GAGAEFCDIT

ClinVar aggregate classification (germline): Uncertain significance (1 of 4 stars; one submission).

Conditions:
Hereditary cancer-predisposing syndrome. Also called: Neoplastic Syndromes, Hereditary; Tumor predisposition; Hereditary Cancer Syndrome; Hereditary neoplastic syndrome. Identifiers: Orphanet 140162, MedGen C0027672, MeSH D009386, MONDO:0015356.
Cardiovascular phenotype. Identifiers: MedGen CN230736.

Submission:

Ambry Genetics
Classification: Uncertain significance for Cardiovascular phenotype; Hereditary cancer-predisposing syndrome. Last evaluated: 2022-05-07. Review status: criteria provided, single submitter. Criteria: Ambry Variant Classification Scheme 2023. Collection method: clinical testing. Allele origin: germline.
Comment: The p.E660A variant (also known as c.1979A>C), located in coding exon 17 of the LZTR1 gene, results from an A to C substitution at nucleotide position 1979. The glutamic acid at codon 660 is replaced by alanine, an amino acid with dissimilar properties. This amino acid position is conserved. In addition, the in silico prediction for this alteration is inconclusive. Since supporting evidence is limited at this time, the clinical significance of this alteration remains unclear.